The following is an entry in ClinVar:

NM_178857.6(RP1L1):c.7135G>A (p.Gly2379Arg)

Gene: RP1L1 (RP1 like 1). Cytogenetic location: 8p23.1.
Variant type: single nucleotide variant.
Coding change: c.7135G>A on transcript NM_178857.6 (MANE Select); coding-DNA position 7135, G replaced by A.
Protein change: p.Gly2379Arg; replaces glycine 2379 with arginine.
Molecular consequence: missense variant.
Genome position (GRCh38, 1-based): chr8:10,606,963, C>T on the plus strand (G>A on the coding strand, the complement: RP1L1 is on the minus strand). VCF-style: chr8-10606963-C-T. GRCh37 (hg19) VCF-style: chr8-10464473-C-T.
Other names: c.7135G>A (NM_178857.5); short protein forms G2379R.
Identifiers: ClinVar variation 4898853 (VCV004898853.2).

ClinVar aggregate classification (germline): Uncertain significance. Review status: criteria provided, multiple submitters, no conflicts (2 of 4 stars). 2 submissions from 2 submitters: Uncertain significance (2). Last evaluated 2026-03-30.

Conditions:
RP1L1-related disorder. Also called: RP1L1-related condition.

Submissions (2):

PreventionGenetics, part of Exact Sciences
Classification: Uncertain significance for RP1L1-related condition. Last evaluated: 2026-03-30. Review status: criteria provided, single submitter. Criteria: ACMG Guidelines, 2015. Collection method: clinical testing. Allele origin: germline.
Comment: The RP1L1 c.7135G>A variant is predicted to result in the amino acid substitution p.Gly2379Arg. To our knowledge, this variant has not been reported in the literature. This variant is reported in 0.00088% of alleles in individuals of European (Non-Finnish) descent in gnomAD. At this time, the clinical significance of this variant is uncertain due to the absence of conclusive functional and genetic evidence.

Blueprint Genetics
Classification: Uncertain significance. Last evaluated: 2017-12-19. Review status: criteria provided, single submitter. Criteria: ACMG Guidelines, 2015. Collection method: clinical testing. Allele origin: germline.